The following is an entry in ClinVar:

ClinVar aggregate classification (germline): Uncertain significance (1 of 4 stars; one submission).

Conditions:
Hereditary cancer-predisposing syndrome. Also called: Tumor predisposition; Hereditary Cancer Syndrome; Neoplastic Syndromes, Hereditary; Hereditary neoplastic syndrome. Identifiers: Orphanet 140162, MedGen C0027672, MeSH D009386, MONDO:0015356.

Allele frequency attached by ClinVar (database versions not stated): gnomAD exomes below 0.00001.
gnomAD v4.1: 1 of 1,614,086 alleles (0.000062%); highest among the groups gnomAD compares: Non-Finnish European, 0.000085%; no homozygotes.

Submission:

Ambry Genetics
Classification: Uncertain significance for Hereditary cancer-predisposing syndrome. Last evaluated: 2019-12-10. Review status: criteria provided, single submitter. Criteria: Ambry Variant Classification Scheme 2023. Collection method: clinical testing. Allele origin: germline.
Comment: The p.F1093V variant (also known as c.3277T>G), located in coding exon 15 of the APC gene, results from a T to G substitution at nucleotide position 3277. The phenylalanine at codon 1093 is replaced by valine, an amino acid with highly similar properties. This amino acid position is highly conserved in available vertebrate species. In addition, in silico predictors for this gene do not accurately predict pathogenicity. Since supporting evidence is limited at this time, the clinical significance of this alteration remains unclear.

NM_000038.6(APC):c.3277T>G (p.Phe1093Val)

Gene: APC (APC regulator of Wnt signaling pathway; plus strand). Cytogenetic location: 5q22.2.
Variant type: single nucleotide variant.
Coding change: c.3277T>G on transcript NM_000038.6 (MANE Select); coding-DNA position 3277, T replaced by G.
Protein change: p.Phe1093Val; replaces phenylalanine 1093 with valine.
Molecular consequence: missense variant.
Genome position (GRCh38, 1-based): chr5:112,838,871, T>G. VCF-style: chr5-112838871-T-G. GRCh37 (hg19) VCF-style: chr5-112174568-T-G.
Other names: c.2974T>G, p.Phe992Val (NM_001354903.2); c.2899T>G, p.Phe967Val (NM_001354904.2); c.2797T>G, p.Phe933Val (NM_001354905.2); c.2428T>G, p.Phe810Val (NM_001354906.2); c.3277T>G, p.Phe1093Val (NM_001127510.3, NM_001354895.2); c.3223T>G, p.Phe1075Val (NM_001127511.3); c.3331T>G, p.Phe1111Val (NM_001354896.2); c.3307T>G, p.Phe1103Val (NM_001354897.2); and 5 more; short protein forms F1052V, F810V, F933V, F1034V, F1065V, F1093V, F967V, F1002V.
Identifiers: ClinVar variation 823389 (VCV000823389.4), dbSNP rs1580633356, ClinGen allele CA16028528.